The following is an entry in ClinVar:

NM_201253.3(CRB1):c.2927T>C (p.Ile976Thr)

Gene: CRB1 (crumbs cell polarity complex component 1; plus strand). Cytogenetic location: 1q31.3.
Variant type: single nucleotide variant.
Coding change: c.2927T>C on transcript NM_201253.3 (MANE Select); coding-DNA position 2927, T replaced by C.
Protein change: p.Ile976Thr; replaces isoleucine 976 with threonine.
Molecular consequence: missense variant. On other transcripts: non-coding transcript variant (2), intron variant (1).
Genome position (GRCh38, 1-based): chr1:197,434,790, T>C. VCF-style: chr1-197434790-T-C. GRCh37 (hg19) VCF-style: chr1-197403920-T-C.
Other names: c.2591T>C, p.Ile864Thr (NM_001193640.2); c.2855T>C, p.Ile952Thr (NM_001257965.2); c.2129-810T>C (NM_001257966.2); short protein forms I864T, I952T, I976T.
Identifiers: ClinVar variation 1051633 (VCV001051633.7), dbSNP rs2125498956, ClinGen allele CA344043666.

ClinVar aggregate classification (germline): Likely pathogenic (1 of 4 stars; one submission).

Conditions:
Leber congenital amaurosis 8 (LCA8). Identifiers: Orphanet 65, MedGen C3151202, MONDO:0013453, OMIM 613835.
Retinitis pigmentosa 12 (RP12). Also called: RP WITH OR WITHOUT PPRPE; RP WITH OR WITHOUT PRESERVED PARAARTERIOLE RETINAL PIGMENT EPITHELIUM; RETINITIS PIGMENTOSA WITH OR WITHOUT PARAARTERIOLAR PRESERVATION OF RETINAL PIGMENT EPITHELIUM. Identifiers: Orphanet 791, MedGen C1838647, MONDO:0010818, OMIM 600105.

Submission:

Labcorp Genetics (formerly Invitae), Labcorp
Classification: Likely pathogenic for Leber congenital amaurosis 8; Retinitis pigmentosa 12. Last evaluated: 2021-11-08. Review status: criteria provided, single submitter. Criteria: Invitae Variant Classification Sherloc (09022015). Collection method: clinical testing. Allele origin: germline.
Comment: This sequence change replaces isoleucine, which is neutral and non-polar, with threonine, which is neutral and polar, at codon 976 of the CRB1 protein (p.Ile976Thr). This variant is not present in population databases (gnomAD no frequency). This missense change has been observed in individual(s) with retinoschisis (Invitae). In at least one individual the data is consistent with the variant being in trans (on the opposite chromosome) from a pathogenic variant. ClinVar contains an entry for this variant (Variation ID: 1051633). Advanced modeling of protein sequence and biophysical properties (such as structural, functional, and spatial information, amino acid conservation, physicochemical variation, residue mobility, and thermodynamic stability) performed at Invitae indicates that this missense variant is expected to disrupt CRB1 protein function. In summary, the currently available evidence indicates that the variant is pathogenic, but additional data are needed to prove that conclusively. Therefore, this variant has been classified as Likely Pathogenic.